The following is an entry in ClinVar:

NM_025074.7(FRAS1):c.10827_10829dup (p.Tyr3610Ter)

Gene: FRAS1 (Fraser extracellular matrix complex subunit 1; plus strand). Cytogenetic location: 4q21.21.
Variant type: Duplication.
Coding change: c.10827_10829dup on transcript NM_025074.7 (MANE Select); coding-DNA positions 10827 to 10829, 3 bases duplicated (GTA; older notation c.10827_10829dupGTA).
Protein change: p.Tyr3610Ter; replaces tyrosine 3610 with a stop codon.
Molecular consequence: nonsense.
Genome position (GRCh38, 1-based): chr4:78,526,559-78,526,561, GTA duplicated; duplicating any 3 consecutive bases within chr4:78,526,558-78,526,561 gives the same sequence; the c. name uses the placement nearest the transcript's 3' end. VCF-style (leftmost placement, unchanged base first): chr4-78526557-G-GAGT. GRCh37 (hg19) VCF-style: chr4-79447711-G-GAGT.
Other names: short protein forms Y3610*.
Identifiers: ClinVar variation 2982242 (VCV002982242.3), dbSNP rs2475838274, ClinGen allele CA2578124676.

ClinVar aggregate classification (germline): Pathogenic (1 of 4 stars; one submission).

Submission:

Labcorp Genetics (formerly Invitae), Labcorp
Classification: Pathogenic. Last evaluated: 2022-11-17. Review status: criteria provided, single submitter. Criteria: Invitae Variant Classification Sherloc (09022015). Collection method: clinical testing. Allele origin: germline.
Comment: For these reasons, this variant has been classified as Pathogenic. Algorithms developed to predict the effect of sequence changes on RNA splicing suggest that this variant may disrupt the consensus splice site. This premature translational stop signal has been observed in individual(s) with Fraser syndrome (PMID: 32488952). This variant is not present in population databases (gnomAD no frequency). This sequence change creates a premature translational stop signal (p.Tyr3610*) in the FRAS1 gene. It is expected to result in an absent or disrupted protein product. Loss-of-function variants in FRAS1 are known to be pathogenic (PMID: 12766769, 18671281).

Literature cited by the submitters: PubMed 32488952; PubMed 12766769; PubMed 18671281.